The following is an entry in ClinVar:

NM_003701.4(TNFSF11):c.292G>C (p.Asp98His)

Genes: TNFSF11 (TNF superfamily member 11; plus strand), LOC126861752 (BRD4-independent group 4 enhancer GRCh37_chr13:43155073-43156272; plus strand). Cytogenetic location: 13q14.11.
Variant type: single nucleotide variant.
Coding change: c.292G>C on transcript NM_003701.4 (MANE Select); coding-DNA position 292, G replaced by C.
Protein change: p.Asp98His; replaces aspartic acid 98 with histidine.
Molecular consequence: missense variant.
Genome position (GRCh38, 1-based): chr13:42,581,198, G>C. VCF-style: chr13-42581198-G-C. GRCh37 (hg19) VCF-style: chr13-43155334-G-C.
Other names: c.73G>C, p.Asp25His (NM_033012.4); c.292G>C (NM_003701.3); short protein forms D98H, D25H.
Identifiers: ClinVar variation 1507289 (VCV001507289.9), dbSNP rs761066893, ClinGen allele CA6967172.

ClinVar aggregate classification (germline): Uncertain significance. Review status: criteria provided, multiple submitters, no conflicts (2 of 4 stars). 2 submissions from 2 submitters: Uncertain significance (2). Last evaluated 2025-04-20.

Conditions:
Inborn genetic diseases. Identifiers: MedGen C0950123, MeSH D030342.

Allele frequency attached by ClinVar (database versions not stated): gnomAD 0.00001; ExAC 0.00002; gnomAD exomes 0.00002 and 0.00003; TOPMed 0.00002.
gnomAD v4.1: 49 of 1,613,902 alleles (0.003%); highest among the groups gnomAD compares: East Asian, 0.0067%; no homozygotes.

Submissions (2):

Ambry Genetics
Classification: Uncertain significance for Inborn genetic diseases. Last evaluated: 2025-04-20. Review status: criteria provided, single submitter. Criteria: Ambry Variant Classification Scheme 2023. Collection method: clinical testing. Allele origin: germline.

Labcorp Genetics (formerly Invitae), Labcorp
Classification: Uncertain significance. Last evaluated: 2022-01-15. Review status: criteria provided, single submitter. Criteria: Invitae Variant Classification Sherloc (09022015). Collection method: clinical testing. Allele origin: germline.
Comment: This sequence change replaces aspartic acid, which is acidic and polar, with histidine, which is basic and polar, at codon 98 of the TNFSF11 protein (p.Asp98His). In summary, the available evidence is currently insufficient to determine the role of this variant in disease. Therefore, it has been classified as a Variant of Uncertain Significance. Algorithms developed to predict the effect of missense changes on protein structure and function (SIFT, PolyPhen-2, Align-GVGD) all suggest that this variant is likely to be tolerated. This variant has not been reported in the literature in individuals affected with TNFSF11-related conditions. This variant is present in population databases (rs761066893, gnomAD 0.02%).